The following is an entry in ClinVar:

ClinVar aggregate classification (germline): other (0 of 4 stars; one submission).

Conditions:
Familial colorectal cancer. Identifiers: MedGen CN280943, MONDO:0023113. Disease mechanism: loss of function.

Submission:

Systems Biology Platform Zhejiang California International NanoSystems Institute
Classification: other for Familial colorectal cancer. Review status: no assertion criteria provided. Collection method: not provided. Allele origin: unknown.
ClinVar note: Converted during submission from cancer to other.

NM_000038.6(APC):c.646-5193G>T

Gene: APC (APC regulator of WNT signaling pathway; plus strand). Cytogenetic location: 5q22.2.
Variant type: single nucleotide variant.
Coding change: c.646-5193G>T on transcript NM_000038.6 (MANE Select); 5193 bases into the intron before coding-DNA position 646, G replaced by T.
Molecular consequence: intron variant.
Genome position (GRCh38, 1-based): chr5:112,787,253, G>T. VCF-style: chr5-112787253-G-T. GRCh37 (hg19) VCF-style: chr5-112122950-G-T.
Other names: c.646-5193G>T (NM_001354895.2, NM_001127510.3, NM_001354896.2 and 1 more transcripts); c.676-5193G>T (NM_001354897.2, NM_001354902.2); c.675+6350G>T (NM_001127511.3); c.571-5193G>T (NM_001354898.2, NM_001354904.2); c.-390-5193G>T (NM_001354906.2); c.645+6350G>T (NM_001354899.2); c.469-5193G>T (NM_001354900.2, NM_001354901.2, NM_001354905.2).
Identifiers: ClinVar variation 82969 (VCV000082969.2), dbSNP rs78834710, ClinGen allele CA012044.